The following is an entry in ClinVar:

ClinVar aggregate classification (germline): Pathogenic (1 of 4 stars; one submission).

Conditions:
Werner syndrome (WRN). Identifiers: Orphanet 902, MedGen C0043119, MONDO:0010196, OMIM 277700.

Submission:

Labcorp Genetics (formerly Invitae), Labcorp
Classification: Pathogenic for Werner syndrome. Last evaluated: 2023-02-22. Review status: criteria provided, single submitter. Criteria: Invitae Variant Classification Sherloc (09022015). Collection method: clinical testing. Allele origin: germline.
Comment: For these reasons, this variant has been classified as Pathogenic. This variant has not been reported in the literature in individuals affected with WRN-related conditions. This variant is not present in population databases (gnomAD no frequency). This sequence change creates a premature translational stop signal (p.Thr793Hisfs*6) in the WRN gene. It is expected to result in an absent or disrupted protein product. Loss-of-function variants in WRN are known to be pathogenic (PMID: 16673358).

Literature cited by the submitters: PubMed 16673358.

NM_000553.6(WRN):c.2377del (p.Thr793fs)

Gene: WRN (WRN RecQ like helicase; plus strand). Cytogenetic location: 8p12.
Variant type: Deletion.
Coding change: c.2377del on transcript NM_000553.6 (MANE Select); coding-DNA position 2377, one base deleted (A; older notation c.2377delA).
Protein change: p.Thr793fs; shifts the reading frame from threonine 793.
Molecular consequence: frameshift variant.
Genome position (GRCh38, 1-based): chr8:31,116,457, A deleted; the last of 2 consecutive A bases (chr8:31,116,456-31,116,457); deleting either gives the same sequence. VCF-style (leftmost placement, unchanged base first): chr8-31116455-GA-G. GRCh37 (hg19) VCF-style: chr8-30973971-GA-G.
Other names: short protein forms T793fs.
Identifiers: ClinVar variation 2727593 (VCV002727593.3), dbSNP rs2535978637, ClinGen allele CA2697549802.
Genomic context (GRCh38, chr8:31,116,455, plus strand): 5'-CTTCTAGAAAAATGACACAACAAGTTACAGGTGAACTTAGGAAACTGAATCTATCCTGTG[GA>G]ACATACCATGCGGGCATGAGTTTTAGCACAAGGAAAGACATTCATCATAGGTTTGTAAGA-3'